The following is an entry in ClinVar:

NM_173651.4(FSIP2):c.4487GTG[1] (p.Gly1497del)

Genes: FSIP2 (fibrous sheath interacting protein 2; plus strand), FSIP2-AS1 (FSIP2 antisense RNA 1; minus strand). Cytogenetic location: 2q32.1.
Variant type: Microsatellite.
Coding change: c.4487GTG[1] on transcript NM_173651.4 (MANE Select); one copy of the 3-base unit GTG starting at c.4487; the reference has two copies in a row; one copy, 3 bases deleted.
Protein change: p.Gly1497del; deletes glycine 1497.
Molecular consequence: inframe deletion.
Genome position (GRCh38, 1-based): chr2:185,791,626-185,791,628, GTG deleted; deleting any 3 consecutive bases within chr2:185,791,623-185,791,628 gives the same sequence; the position shown is the placement nearest the transcript's 3' end. VCF-style (leftmost placement, unchanged base first): chr2-185791622-TGTG-T. GRCh37 (hg19) VCF-style: chr2-186656349-TGTG-T.
Other names: short protein forms G1497del.
Identifiers: ClinVar variation 1694998 (VCV001694998.31), dbSNP rs748959283, ClinGen allele CA2016654.
Genomic context (GRCh38, chr2:185,791,622, plus strand): 5'-TTGCAGTCTAATATTCAGTTAATTTCTAAAGCAATTTTGGATTATATCCTTGCAAAATTA[TGTG>T]GTGTTGACATGGATACCAGTTTTGCAAGTTGTGGATTAAAAGCTATCTCAGAGTCTCTTG-3'

ClinVar aggregate classification (germline): Likely benign (1 of 4 stars; one submission).

Submission:

CeGaT Center for Human Genetics Tuebingen
Classification: Likely benign. Last evaluated: 2025-12-01. Review status: criteria provided, single submitter. Criteria: CeGaT Center For Human Genetics Tuebingen Variant Classification Criteria Version 2. Collection method: clinical testing. Allele origin: germline. Affected: yes. Observed: 2 variant alleles.
Comment: FSIP2: BP4